The following is an entry in ClinVar:

NM_014855.3(AP5Z1):c.*2882A>G

Gene: AP5Z1 (adaptor related protein complex 5 subunit zeta 1; plus strand). Cytogenetic location: 7p22.1.
Variant type: single nucleotide variant.
Coding change: c.*2882A>G on transcript NM_014855.3 (MANE Select); 2882 bases downstream of the stop codon, A replaced by G.
Molecular consequence: 3 prime UTR variant. On other transcripts: non-coding transcript variant (1).
Genome position (GRCh38, 1-based): chr7:4,794,267, A>G. VCF-style: chr7-4794267-A-G. GRCh37 (hg19) VCF-style: chr7-4833898-A-G.
Other names: c.*2882A>G (LRG_1247t1, NM_001364858.1).
Identifiers: ClinVar variation 360420 (VCV000360420.6), dbSNP rs113428873, ClinGen allele CA10624112.

ClinVar aggregate classification (germline): Likely benign. Review status: criteria provided, multiple submitters, no conflicts (2 of 4 stars). 2 submissions from 2 submitters: Likely benign (2). Last evaluated 2017-04-27.

Conditions:
Hereditary spastic paraplegia 48. Also called: SPASTIC PARAPLEGIA 48, AUTOSOMAL RECESSIVE; Spastic paraplegia 48. Identifiers: Orphanet 306511, MedGen C3150901, MONDO:0013342, OMIM 613647.

Allele frequency attached by ClinVar (database versions not stated): 1000 Genomes Project 0.03454; 1000 Genomes Project 30x 0.03623; gnomAD 0.03705 and 0.03836; TOPMed 0.03837.

Submissions (2):

Illumina Laboratory Services, Illumina
Classification: Likely benign for Hereditary spastic paraplegia 48. Last evaluated: 2017-04-27. Review status: criteria provided, single submitter. Criteria: ICSL Variant Classification Criteria 13 December 2019. Collection method: clinical testing. Allele origin: germline.
Comment: This variant was observed as part of a predisposition screen in an ostensibly healthy population. A literature search was performed for the gene, cDNA change, and amino acid change (where applicable). No publications were found based on this search. Allele frequency data from public databases allowed determination this variant is unlikely to cause disease. Therefore, this variant is classified as likely benign.

Breakthrough Genomics
Classification: Likely benign. Review status: criteria provided, single submitter. Criteria: ACMG Guidelines, 2015. Collection method: not provided. Allele origin: germline. Inheritance: Autosomal recessive inheritance. Affected: yes.